The following is an entry in ClinVar:

ClinVar aggregate classification (germline): Uncertain significance. Review status: criteria provided, multiple submitters, no conflicts (2 of 4 stars). 2 submissions from 2 submitters: Uncertain significance (2). Last evaluated 2025-04-06.

Conditions:
Hereditary cancer-predisposing syndrome. Also called: Neoplastic Syndromes, Hereditary; Hereditary Cancer Syndrome; Tumor predisposition; Hereditary neoplastic syndrome. Identifiers: Orphanet 140162, MedGen C0027672, MeSH D009386, MONDO:0015356.
Ataxia-telangiectasia syndrome (AT). Also called: Ataxia-telangiectasia, complementation group D; AT, COMPLEMENTATION GROUP C; Ataxia-telangiectasia, complementation group E; Cerebello-oculocutaneous telangiectasia; Immunodeficiency with ataxia telangiectasia; ATAXIA-TELANGIECTASIA, COMPLEMENTATION GROUP A. Identifiers: Orphanet 100, MedGen C0004135, MONDO:0008840, OMIM 208900.

Submissions (2):

Color Diagnostics, LLC DBA Color Health
Classification: Uncertain significance for Hereditary cancer-predisposing syndrome. Last evaluated: 2025-04-06. Review status: criteria provided, single submitter. Criteria: ACMG Guidelines, 2015. Collection method: clinical testing. Allele origin: germline.
Comment: This missense variant replaces isoleucine with methionine at codon 1035 of the ATM protein. Computational prediction suggests that this variant may not impact protein structure and function (internally defined REVEL score threshold <= 0.5, PMID: 27666373). To our knowledge, functional studies have not been reported for this variant. This variant has not been reported in individuals affected with ATM-related disorders in the literature. This variant has not been identified in the general population by the Genome Aggregation Database (gnomAD). The available evidence is insufficient to determine the role of this variant in disease conclusively. Therefore, this variant is classified as a Variant of Uncertain Significance.

Labcorp Genetics (formerly Invitae), Labcorp
Classification: Uncertain significance for Ataxia-telangiectasia syndrome. Last evaluated: 2023-03-26. Review status: criteria provided, single submitter. Criteria: Invitae Variant Classification Sherloc (09022015). Collection method: clinical testing. Allele origin: germline.
Comment: This sequence change replaces isoleucine, which is neutral and non-polar, with methionine, which is neutral and non-polar, at codon 1035 of the ATM protein (p.Ile1035Met). This variant is not present in population databases (gnomAD no frequency). This variant has not been reported in the literature in individuals affected with ATM-related conditions. ClinVar contains an entry for this variant (Variation ID: 581554). An algorithm developed to predict the effect of missense changes on protein structure and function (PolyPhen-2) suggests that this variant is likely to be tolerated. In summary, the available evidence is currently insufficient to determine the role of this variant in disease. Therefore, it has been classified as a Variant of Uncertain Significance.

NM_000051.4(ATM):c.3105A>G (p.Ile1035Met)

Gene: ATM (ATM serine/threonine kinase; plus strand). Cytogenetic location: 11q22.3.
Variant type: single nucleotide variant.
Coding change: c.3105A>G on transcript NM_000051.4 (MANE Select); coding-DNA position 3105, A replaced by G.
Protein change: p.Ile1035Met; replaces isoleucine 1035 with methionine.
Molecular consequence: missense variant.
Genome position (GRCh38, 1-based): chr11:108,272,559, A>G. VCF-style: chr11-108272559-A-G. GRCh37 (hg19) VCF-style: chr11-108143286-A-G.
Other names: c.3105A>G, p.Ile1035Met (NM_001351834.2); short protein forms I1035M.
Identifiers: ClinVar variation 581554 (VCV000581554.9), dbSNP rs1565427678, ClinGen allele CA382515133.